The following is an entry in ClinVar:

NM_182961.4(SYNE1):c.5417A>G (p.His1806Arg)

Gene: SYNE1 (spectrin repeat containing nuclear envelope protein 1; minus strand). Cytogenetic location: 6q25.2.
Variant type: single nucleotide variant.
Coding change: c.5417A>G on transcript NM_182961.4 (MANE Select); coding-DNA position 5417, A replaced by G.
Protein change: p.His1806Arg; replaces histidine 1806 with arginine.
Molecular consequence: missense variant.
Genome position (GRCh38, 1-based): chr6:152,419,573, T>C on the plus strand (A>G on the coding strand, the complement: SYNE1 is on the minus strand). VCF-style: chr6-152419573-T-C. GRCh37 (hg19) VCF-style: chr6-152740708-T-C.
Other names: c.5438A>G, p.His1813Arg (NM_033071.5); short protein forms H1806R, H1813R.
Identifiers: ClinVar variation 594613 (VCV000594613.11), dbSNP rs779891217, ClinGen allele CA4058303.

ClinVar aggregate classification (germline): Conflicting classifications of pathogenicity. Review status: criteria provided, conflicting classifications (1 of 4 stars). 4 submissions from 4 submitters: Uncertain significance (3); Likely benign (1). Last evaluated 2024-09-18.

Conditions:
Emery-Dreifuss muscular dystrophy 4, autosomal dominant (EDMD4). Also called: EMERY-DREIFUSS MUSCULAR DYSTROPHY 4 WITH VARIABLE FEATURES. Identifiers: Orphanet 261, MedGen C2751807, MONDO:0013071, OMIM 612998.
Autosomal recessive ataxia, Beauce type. Also called: Spinocerebellar ataxia, autosomal recessive 8; SYNE1 Deficiency; ATAXIA, RECESSIVE, OF BEAUCE; SYNE1-Related Autosomal Recessive Cerebellar Ataxia. Identifiers: Orphanet 88644, MedGen C1853116, MONDO:0012549, OMIM 610743.

Allele frequency attached by ClinVar (database versions not stated): TOPMed 0.00006; gnomAD exomes 0.00013 and 0.00004; ExAC 0.00014; gnomAD 0.00004 and 0.00005.
gnomAD v4.1: 63 of 1,612,854 alleles (0.0039%); highest among the groups gnomAD compares: East Asian, 0.14%; 1 homozygote.

Submissions (4):

Blueprint Genetics
Classification: Likely benign. Last evaluated: 2024-09-18. Review status: criteria provided, single submitter. Criteria: ACMG Guidelines, 2015. Collection method: clinical testing. Allele origin: germline.

Labcorp Genetics (formerly Invitae), Labcorp
Classification: Uncertain significance for Emery-Dreifuss muscular dystrophy 4, autosomal dominant; Autosomal recessive ataxia, Beauce type. Last evaluated: 2022-07-19. Review status: criteria provided, single submitter. Criteria: Invitae Variant Classification Sherloc (09022015). Collection method: clinical testing. Allele origin: germline.
Comment: This sequence change replaces histidine, which is basic and polar, with arginine, which is basic and polar, at codon 1813 of the SYNE1 protein (p.His1813Arg). This variant is present in population databases (rs779891217, gnomAD 0.2%). This missense change has been observed in individual(s) with benign essential blepharospasm (PMID: 32038460). ClinVar contains an entry for this variant (Variation ID: 594613). Algorithms developed to predict the effect of missense changes on protein structure and function (SIFT, PolyPhen-2, Align-GVGD) all suggest that this variant is likely to be tolerated. Algorithms developed to predict the effect of sequence changes on RNA splicing suggest that this variant may create or strengthen a splice site. In summary, the available evidence is currently insufficient to determine the role of this variant in disease. Therefore, it has been classified as a Variant of Uncertain Significance.

Baylor Genetics
Classification: Uncertain significance for Emery-Dreifuss muscular dystrophy 4, autosomal dominant. Last evaluated: 2018-01-24. Review status: criteria provided, single submitter. Criteria: ACMG Guidelines, 2015. Collection method: clinical testing. Allele origin: unknown. Affected: yes.
Comment: This variant was determined to be of uncertain significance according to ACMG Guidelines, 2015 [PMID:25741868].

Eurofins Ntd Llc (ga)
Classification: Uncertain significance. Last evaluated: 2017-10-25. Review status: criteria provided, single submitter. Criteria: EGL Classification Definitions 2015. Collection method: clinical testing. Allele origin: germline. Observed: 1 variant allele, 1 heterozygote.

Literature cited by the submitters: PubMed 32038460 (cited by Labcorp Genetics (formerly Invitae), Labcorp).